The following is an entry in ClinVar:

NM_020779.4(WDR35):c.2029C>G (p.Gln677Glu)

Gene: WDR35 (WD repeat domain 35; minus strand). Cytogenetic location: 2p24.1.
Variant type: single nucleotide variant.
Coding change: c.2029C>G on transcript NM_020779.4 (MANE Select); coding-DNA position 2029, C replaced by G.
Protein change: p.Gln677Glu; replaces glutamine 677 with glutamic acid.
Molecular consequence: missense variant.
Genome position (GRCh38, 1-based): chr2:19,938,299, G>C on the plus strand (C>G on the coding strand, the complement: WDR35 is on the minus strand). VCF-style: chr2-19938299-G-C. GRCh37 (hg19) VCF-style: chr2-20138060-G-C.
Other names: c.2062C>G, p.Gln688Glu (NM_001006657.2); short protein forms Q677E, Q688E.
Identifiers: ClinVar variation 1523018 (VCV001523018.6), dbSNP rs775076264, ClinGen allele CA345943995.
Genomic context (GRCh38, chr2:19,938,299, plus strand): 5'-TGGGAGAGTTTGCTTTTTTTAAATACCAAAGTCGGGGGTGTGGATTGTCCTCTATGAACT[G>C]AGATGCATCTTTAATTCCAACCTTCTCAATCAGTGCTCGGCTATCTCGCAGAGACCGAAT-3'
Protein context (NP_065830.2, residues 667-687): IEKVGIKDAS[Gln677Glu]FIEDNPHPRL

ClinVar aggregate classification (germline): Uncertain significance (1 of 4 stars; one submission).

Conditions:
Cranioectodermal dysplasia 2 (CED2). Identifiers: Orphanet 1515, MedGen C3150874, MONDO:0013323, OMIM 613610.
Short-rib thoracic dysplasia 7 with or without polydactyly (SRTD7). Also called: Short rib polydactyly syndrome 5; SHORT-RIB THORACIC DYSPLASIA 7 WITH POLYDACTYLY. Identifiers: Orphanet 498497, Orphanet 93271, MedGen C3279792, MONDO:0013569, OMIM 614091.

Submission:

Labcorp Genetics (formerly Invitae), Labcorp
Classification: Uncertain significance for Cranioectodermal dysplasia 2; Short-rib thoracic dysplasia 7 with or without polydactyly. Last evaluated: 2021-10-05. Review status: criteria provided, single submitter. Criteria: Invitae Variant Classification Sherloc (09022015). Collection method: clinical testing. Allele origin: germline.
Comment: This variant is not present in population databases (ExAC no frequency). In summary, the available evidence is currently insufficient to determine the role of this variant in disease. Therefore, it has been classified as a Variant of Uncertain Significance. Algorithms developed to predict the effect of missense changes on protein structure and function (SIFT, PolyPhen-2, Align-GVGD) all suggest that this variant is likely to be tolerated. This variant has not been reported in the literature in individuals affected with WDR35-related conditions. This sequence change replaces glutamine with glutamic acid at codon 688 of the WDR35 protein (p.Gln688Glu). The glutamine residue is highly conserved and there is a small physicochemical difference between glutamine and glutamic acid.